The following is an entry in ClinVar:

NM_017672.6(TRPM7):c.1486G>A (p.Val496Ile)

Gene: TRPM7 (transient receptor potential cation channel subfamily M member 7; minus strand). Cytogenetic location: 15q21.2.
Variant type: single nucleotide variant.
Coding change: c.1486G>A on transcript NM_017672.6 (MANE Select); coding-DNA position 1486, G replaced by A.
Protein change: p.Val496Ile; replaces valine 496 with isoleucine.
Molecular consequence: missense variant. On other transcripts: non-coding transcript variant (3).
Genome position (GRCh38, 1-based): chr15:50,619,753, C>T on the plus strand (G>A on the coding strand, the complement: TRPM7 is on the minus strand). VCF-style: chr15-50619753-C-T. GRCh37 (hg19) VCF-style: chr15-50911950-C-T.
Other names: c.1486G>A, p.Val496Ile (NM_001301212.2); short protein forms V496I.
Identifiers: ClinVar variation 3974353 (VCV003974353.3).
Genomic context (GRCh38, chr15:50,619,753, plus strand): 5'-ATAAATGATTTTTTAAAATAACATTTTTCAAAAGCAAAAAATAATCTCTTACCTGTTTGA[C>T]GTCTCGAACAAGATGAAACAGCATTGGATTAGTTGGACCTTGTTTCTTTAGGGAGAAAAA-3'
Protein context (NP_060142.3, residues 486-506): NPMLFHLVRD[Val496Ile]KQGNLPPGYK

ClinVar aggregate classification (germline): Uncertain significance. Review status: criteria provided, multiple submitters, no conflicts (2 of 4 stars). 2 submissions from 2 submitters: Uncertain significance (2). Last evaluated 2025-05-17.

gnomAD v4.1: 21 of 1,592,590 alleles (0.0013%); highest among the groups gnomAD compares: East Asian, 0.018%; no homozygotes.

Submissions (2):

Ambry Genetics
Classification: Uncertain significance. Last evaluated: 2025-05-17. Review status: criteria provided, single submitter. Criteria: Ambry Variant Classification Scheme 2023. Collection method: clinical testing. Allele origin: germline.

Dasa
Classification: Uncertain significance. Last evaluated: 2025-01-25. Review status: criteria provided, single submitter. Criteria: DASA Assertion Criteria. Collection method: clinical testing. Allele origin: germline.
Comment: NM_017672.6(TRPM7):c.1486G>A (p.Val496Ile) is a missense variant that results in the substitution of valine with isoleucine. This variant is rare in population databases. Computational prediction algorithms are consistent with a benign effect. The currently available literature and clinical evidence are not sufficient to establish a definitive association between this variant and the reported condition. Therefore, this variant is classified as a variant of uncertain significance.